The following is an entry in ClinVar:

NM_001081.4(CUBN):c.6020C>T (p.Thr2007Met)

Gene: CUBN (cubilin; minus strand). Cytogenetic location: 10p13.
Variant type: single nucleotide variant.
Coding change: c.6020C>T on transcript NM_001081.4 (MANE Select); coding-DNA position 6020, C replaced by T.
Protein change: p.Thr2007Met; replaces threonine 2007 with methionine.
Molecular consequence: missense variant.
Genome position (GRCh38, 1-based): chr10:16,933,191, G>A on the plus strand (C>T on the coding strand, the complement: CUBN is on the minus strand). VCF-style: chr10-16933191-G-A. GRCh37 (hg19) VCF-style: chr10-16975190-G-A.
Other names: short protein forms T2007M.
Identifiers: ClinVar variation 572770 (VCV000572770.37), dbSNP rs140202552, ClinGen allele CA5423827.

ClinVar aggregate classification (germline): Conflicting classifications of pathogenicity. Review status: criteria provided, conflicting classifications (1 of 4 stars). 5 submissions from 5 submitters: Uncertain significance (3); Likely benign (2). Last evaluated 2024-11-08.

Conditions:
Proteinuria, chronic benign. Identifiers: MedGen C5394384, MONDO:0030042, OMIM 618884.
Imerslund-Grasbeck syndrome type 1 (IGS1). Also called: Megaloblastic anemia 1, Finnish type; MEGALOBLASTIC ANEMIA, 1; Imerslund-Gräsbeck syndrome 1. Identifiers: MedGen C4016819, MONDO:0100156, OMIM 261100.
Imerslund-Grasbeck syndrome. Also called: Megaloblastic anemia due to inborn errors of metabolism; ENTEROCYTE COBALAMIN MALABSORPTION; ENTEROCYTE INTRINSIC FACTOR RECEPTOR, DEFECT OF; PERNICIOUS ANEMIA, JUVENILE, DUE TO SELECTIVE INTESTINAL MALABSORPTION OF VITAMIN B12, WITH PROTEINURIA; Imerslund-Gräsbeck syndrome. Identifiers: Orphanet 35858, MedGen C4551825, MONDO:0009853.
Inborn genetic diseases. Identifiers: MedGen C0950123, MeSH D030342.

Allele frequency attached by ClinVar (database versions not stated): gnomAD 0.00019; ESP Exome Variant Server 0.00023; TOPMed 0.00023; ExAC 0.00038.
gnomAD v4.1: 495 of 1,614,014 alleles (0.031%); highest among the groups gnomAD compares: South Asian, 0.12%; 1 homozygote.

Submissions (5):

Blueprint Genetics
Classification: Likely benign. Last evaluated: 2024-11-08. Review status: criteria provided, single submitter. Criteria: ACMG Guidelines, 2015. Collection method: clinical testing. Allele origin: germline.

Fulgent Genetics
Classification: Uncertain significance for Imerslund-Grasbeck syndrome type 1; Proteinuria, chronic benign. Last evaluated: 2024-05-06. Review status: criteria provided, single submitter. Criteria: ACMG Guidelines, 2015. Collection method: clinical testing. Allele origin: germline.

CeGaT Center for Human Genetics Tuebingen
Classification: Uncertain significance. Last evaluated: 2023-09-01. Review status: criteria provided, single submitter. Criteria: CeGaT Center For Human Genetics Tuebingen Variant Classification Criteria Version 2. Collection method: clinical testing. Allele origin: germline. Affected: yes. Observed: 1 variant allele.
Comment: CUBN: PM2, BP4

Labcorp Genetics (formerly Invitae), Labcorp
Classification: Uncertain significance for Imerslund-Grasbeck syndrome. Last evaluated: 2022-04-01. Review status: criteria provided, single submitter. Criteria: Invitae Variant Classification Sherloc (09022015). Collection method: clinical testing. Allele origin: germline.
Comment: This sequence change replaces threonine, which is neutral and polar, with methionine, which is neutral and non-polar, at codon 2007 of the CUBN protein (p.Thr2007Met). This variant is present in population databases (rs140202552, gnomAD 0.1%). This variant has not been reported in the literature in individuals affected with CUBN-related conditions. ClinVar contains an entry for this variant (Variation ID: 572770). Algorithms developed to predict the effect of missense changes on protein structure and function output the following: SIFT: "Tolerated"; PolyPhen-2: "Benign"; Align-GVGD: "Class C0". The methionine amino acid residue is found in multiple mammalian species, which suggests that this missense change does not adversely affect protein function. In summary, the available evidence is currently insufficient to determine the role of this variant in disease. Therefore, it has been classified as a Variant of Uncertain Significance.

Ambry Genetics
Classification: Likely benign for Inborn genetic diseases. Last evaluated: 2022-02-10. Review status: criteria provided, single submitter. Criteria: Ambry Variant Classification Scheme 2023. Collection method: clinical testing. Allele origin: germline.